The following is an entry in ClinVar:

NM_012464.5(TLL1):c.662A>G (p.Asn221Ser)

Gene: TLL1 (tolloid like 1; plus strand). Cytogenetic location: 4q32.3.
Variant type: single nucleotide variant.
Coding change: c.662A>G on transcript NM_012464.5 (MANE Select); coding-DNA position 662, A replaced by G.
Protein change: p.Asn221Ser; replaces asparagine 221 with serine.
Molecular consequence: missense variant.
Genome position (GRCh38, 1-based): chr4:166,003,420, A>G. VCF-style: chr4-166003420-A-G. GRCh37 (hg19) VCF-style: chr4-166924572-A-G.
Other names: c.662A>G, p.Asn221Ser (NM_001204760.2); short protein forms N221S.
Identifiers: ClinVar variation 2655173 (VCV002655173.24), dbSNP rs753515510, ClinGen allele CA3130665.

ClinVar aggregate classification (germline): Likely benign (1 of 4 stars; one submission).

Allele frequency attached by ClinVar (database versions not stated): TOPMed below 0.00001; gnomAD 0.00002; gnomAD exomes 0.00004; ExAC 0.00008.
gnomAD v4.1: 61 of 1,613,892 alleles (0.0038%); highest among the groups gnomAD compares: South Asian, 0.065%; no homozygotes.

Submission:

CeGaT Center for Human Genetics Tuebingen
Classification: Likely benign. Last evaluated: 2023-03-01. Review status: criteria provided, single submitter. Criteria: CeGaT Center For Human Genetics Tuebingen Variant Classification Criteria Version 2. Collection method: clinical testing. Allele origin: germline. Affected: yes. Observed: 1 variant allele.
Comment: TLL1: BS1